The following is an entry in ClinVar:

ClinVar aggregate classification (germline): Benign (1 of 4 stars; one submission).

Conditions:
Hereditary pheochromocytoma and paraganglioma. Also called: Hereditary Paraganglioma-Pheochromocytoma Syndromes; Hereditary paragangliomas and pheochromocytomas; Hereditary pheochromocytoma-paraganglioma. Identifiers: Orphanet 29072, MedGen C4274332, MONDO:0017366.

Allele frequency attached by ClinVar (database versions not stated): TOPMed 0.11473; 1000 Genomes Project 30x 0.16958; gnomAD exomes 0.10313; 1000 Genomes Project 0.16893; gnomAD 0.11538 and 0.11785.

Submission:

Illumina Laboratory Services, Illumina
Classification: Benign for Hereditary Paraganglioma-Pheochromocytoma Syndromes. Last evaluated: 2018-01-12. Review status: criteria provided, single submitter. Criteria: ICSL Variant Classification Criteria 13 December 2019. Collection method: clinical testing. Allele origin: germline.
Comment: This variant was observed in the ICSL laboratory as part of a predisposition screen in an ostensibly healthy population. It had not been previously curated by ICSL or reported in the Human Gene Mutation Database (HGMD: prior to June 1st, 2018), and was therefore a candidate for classification through an automated scoring system. Utilizing variant allele frequency, disease prevalence and penetrance estimates, and inheritance mode, an automated score was calculated to assess if this variant is too frequent to cause the disease. Based on the score and internal cut-off values, a variant classified as benign is not then subjected to further curation. The score for this variant resulted in a classification of benign for this disease.

NM_003001.3(SDHC):c.*968A>G

Gene: SDHC (succinate dehydrogenase complex subunit C; plus strand). Cytogenetic location: 1q23.3.
Variant type: single nucleotide variant.
Coding change: c.*968A>G on transcript NM_003001.3; 968 bases downstream of the stop codon, A replaced by G.
Genome position (GRCh38, 1-based): chr1:161,363,401, A>G. VCF-style: chr1-161363401-A-G. GRCh37 (hg19) VCF-style: chr1-161333191-A-G.
Identifiers: ClinVar variation 293337 (VCV000293337.7), dbSNP rs4600063, ClinGen allele CA10608582.